The following is an entry in ClinVar:

NM_001267550.2(TTN):c.52102G>A (p.Asp17368Asn)

Genes: TTN (titin; minus strand), TTN-AS1 (TTN antisense RNA 1; plus strand). Cytogenetic location: 2q31.2.
Variant type: single nucleotide variant.
Coding change: c.52102G>A on transcript NM_001267550.2 (MANE Select); coding-DNA position 52102, G replaced by A.
Protein change: p.Asp17368Asn; replaces aspartic acid 17368 with asparagine.
Molecular consequence: missense variant.
Genome position (GRCh38, 1-based): chr2:178,609,208, C>T on the plus strand (G>A on the coding strand, the complement: TTN is on the minus strand). VCF-style: chr2-178609208-C-T. GRCh37 (hg19) VCF-style: chr2-179473935-C-T.
Other names: c.47179G>A, p.Asp15727Asn (NM_001256850.1); c.24907G>A, p.Asp8303Asn (NM_003319.4); c.44398G>A, p.Asp14800Asn (NM_133378.4); c.25282G>A, p.Asp8428Asn (NM_133432.3); c.25483G>A, p.Asp8495Asn (NM_133437.4); short protein forms D8303N, D8428N, D14800N, D8495N, D15727N, D17368N.
Identifiers: ClinVar variation 4785891 (VCV004785891.1).

ClinVar aggregate classification (germline): Uncertain significance (1 of 4 stars; one submission).

Conditions:
Autosomal recessive limb-girdle muscular dystrophy type 2J (LGMDR10). Also called: Limb-girdle muscular dystrophy, type 2J; MUSCULAR DYSTROPHY, LIMB-GIRDLE, AUTOSOMAL RECESSIVE 10. Identifiers: Orphanet 140922, MedGen C1837342, MONDO:0012127, OMIM 608807.
Dilated cardiomyopathy 1G (CMD1G). Identifiers: Orphanet 154, MedGen C1858763, MONDO:0011400, OMIM 604145.

Submission:

Labcorp Genetics (formerly Invitae), Labcorp
Classification: Uncertain significance for Dilated cardiomyopathy 1G; Autosomal recessive limb-girdle muscular dystrophy type 2J. Last evaluated: 2025-08-25. Review status: criteria provided, single submitter. Criteria: Invitae Variant Classification Sherloc (09022015). Collection method: clinical testing. Allele origin: germline.
Comment: This sequence change replaces aspartic acid, which is acidic and polar, with asparagine, which is neutral and polar, at codon 17368 of the TTN protein (p.Asp17368Asn). This variant also falls at the last nucleotide of exon 273, which is part of the consensus splice site for this exon. This variant is not present in population databases (gnomAD no frequency). This missense change has been observed in individual(s) with clinical features of dilated cardiomyopathy (internal data). Experimental studies and prediction algorithms are not available or were not evaluated, and the functional significance of this variant is currently unknown. Variants that disrupt the consensus splice site are a relatively common cause of aberrant splicing (PMID: 17576681, 9536098). Algorithms developed to predict the effect of sequence changes on RNA splicing suggest that this variant may disrupt the consensus splice site. This variant is located in the A band of TTN (PMID: 25589632). Variants in this region may be relevant for cardiac or neuromuscular disorders (PMID: 25589632, 23975875). In summary, the available evidence is currently insufficient to determine the role of this variant in disease. Therefore, it has been classified as a Variant of Uncertain Significance.

Literature cited by the submitters: PubMed 17576681; PubMed 9536098; PubMed 25589632; PubMed 23975875.